The following is an entry in ClinVar:

NM_000428.3(LTBP2):c.129C>G (p.Tyr43Ter)

Gene: LTBP2 (latent transforming growth factor beta binding protein 2; minus strand). Cytogenetic location: 14q24.3.
Variant type: single nucleotide variant.
Coding change: c.129C>G on transcript NM_000428.3 (MANE Select); coding-DNA position 129, C replaced by G.
Protein change: p.Tyr43Ter; replaces tyrosine 43 with a stop codon.
Molecular consequence: nonsense.
Genome position (GRCh38, 1-based): chr14:74,611,816, G>C on the plus strand (C>G on the coding strand, the complement: LTBP2 is on the minus strand). VCF-style: chr14-74611816-G-C. GRCh37 (hg19) VCF-style: chr14-75078519-G-C.
Other names: short protein forms Y43*.
Identifiers: ClinVar variation 2015794 (VCV002015794.4), dbSNP rs1388677499, ClinGen allele CA390388728.

ClinVar aggregate classification (germline): Pathogenic (1 of 4 stars; one submission).

Submission:

Labcorp Genetics (formerly Invitae), Labcorp
Classification: Pathogenic. Last evaluated: 2022-07-10. Review status: criteria provided, single submitter. Criteria: Invitae Variant Classification Sherloc (09022015). Collection method: clinical testing. Allele origin: germline.
Comment: For these reasons, this variant has been classified as Pathogenic. This variant has not been reported in the literature in individuals affected with LTBP2-related conditions. This variant is not present in population databases (gnomAD no frequency). This sequence change creates a premature translational stop signal (p.Tyr43*) in the LTBP2 gene. It is expected to result in an absent or disrupted protein product. Loss-of-function variants in LTBP2 are known to be pathogenic (PMID: 19361779, 22025892).

Literature cited by the submitters: PubMed 19361779; PubMed 22025892.